The following is an entry in ClinVar:

ClinVar aggregate classification (germline): Uncertain significance (1 of 4 stars; one submission).

Conditions:
Congenital myopathy 23 (CMYO23). Also called: CAP MYOPATHY 2; NEMALINE MYOPATHY 4; Nemaline myopathy 4, autosomal dominant. Identifiers: MedGen C1836447, MONDO:0012240, OMIM 609285.

Submission:

Neuberg Centre For Genomic Medicine, NCGM
Classification: Uncertain significance for Congenital myopathy 23. Review status: criteria provided, single submitter. Criteria: ACMG Guidelines, 2015. Collection method: clinical testing. Allele origin: germline. Inheritance: Autosomal dominant inheritance. Affected: yes.
Comment: The missense variant p.K48N in TPM2 (NM_003289.4) has not been reported previously as a pathogenic variant nor as a benign variant, to our knowledge. The p.K48N variant is novel (not in any individuals) in gnomAD Exomes and is novel (not in any individuals) in 1000 Genomes. There is a moderate physicochemical difference between lysine and asparagine. The p.K48N missense variant is predicted to be damaging by both SIFT and PolyPhen2. The lysine residue at codon 48 of TPM2 is conserved in all mammalian species. The nucleotide c.144 in TPM2 is predicted conserved by GERP++ and PhyloP across 100 vertebrates. For these reasons, this variant has been classified as Uncertain Significance.

NM_003289.4(TPM2):c.144G>T (p.Lys48Asn)

Gene: TPM2 (tropomyosin 2; minus strand). Cytogenetic location: 9p13.3.
Variant type: single nucleotide variant.
Coding change: c.144G>T on transcript NM_003289.4 (MANE Select); coding-DNA position 144, G replaced by T.
Protein change: p.Lys48Asn; replaces lysine 48 with asparagine.
Molecular consequence: missense variant.
Genome position (GRCh38, 1-based): chr9:35,689,242, C>A on the plus strand (G>T on the coding strand, the complement: TPM2 is on the minus strand). VCF-style: chr9-35689242-C-A. GRCh37 (hg19) VCF-style: chr9-35689239-C-A.
Other names: c.144G>T, p.Lys48Asn (NM_001301226.2, NM_001301227.2, NM_213674.1); short protein forms K48N.
Identifiers: ClinVar variation 2627516 (VCV002627516.1), dbSNP rs2490700588, ClinGen allele CA373369578.
Genomic context (GRCh38, chr9:35,689,242, plus strand): 5'-CTGGGCCTCCTTCACGGATTCAGAATACTTTTCCACCTCATCCTCTGTCCCCTTCAGCTT[C>A]TTCTGGAGGGCCTGCTGCTCCTCCTCCAGCTGGGACAGAGGGGACTTGGTCAGCCAGGCT-3'
Protein context (NP_003280.2, residues 38-58): QLEEEQQALQ[Lys48Asn]KLKGTEDEVE